The following is an entry in ClinVar:

ClinVar aggregate classification (germline): Likely benign. Review status: criteria provided, multiple submitters, no conflicts (2 of 4 stars). 2 submissions from 2 submitters: Likely benign (2). Last evaluated 2018-06-15.

Allele frequency attached by ClinVar (database versions not stated): gnomAD exomes 0.00714; 1000 Genomes Project 30x 0.00718; 1000 Genomes Project 0.00719; gnomAD 0.00879 and 0.00883; TOPMed 0.00945.
gnomAD v4.1: 4,167 of 546,726 alleles (0.76%); highest among the groups gnomAD compares: African/African-American, 1.5%; 32 homozygotes.

Submissions (2):

GeneDx
Classification: Likely benign. Last evaluated: 2018-06-15. Review status: criteria provided, single submitter. Criteria: GeneDx Variant Classification (06012015). Collection method: clinical testing. Allele origin: germline. Affected: yes.
Comment: This variant is considered likely benign or benign based on one or more of the following criteria: it is a conservative change, it occurs at a poorly conserved position in the protein, it is predicted to be benign by multiple in silico algorithms, and/or has population frequency not consistent with disease.

Breakthrough Genomics
Classification: Likely benign. Review status: criteria provided, single submitter. Criteria: ACMG Guidelines, 2015. Collection method: not provided. Allele origin: germline. Inheritance: Autosomal dominant inheritance. Affected: yes.

NM_007194.4(CHEK2):c.319+3774C>T

Gene: CHEK2 (checkpoint kinase 2; minus strand). Cytogenetic location: 22q12.1.
Variant type: single nucleotide variant.
Coding change: c.319+3774C>T on transcript NM_007194.4 (MANE Select); 3774 bases into the intron after coding-DNA position 319, C replaced by T.
Molecular consequence: intron variant.
Genome position (GRCh38, 1-based): chr22:28,730,629, G>A on the plus strand (C>T on the coding strand, the complement: CHEK2 is on the minus strand). VCF-style: chr22-28730629-G-A. GRCh37 (hg19) VCF-style: chr22-29126617-G-A.
Other names: c.-344-5262C>T (NM_001437942.1); c.319+3774C>T (NM_001349956.3, NM_145862.3); c.-459+3774C>T (NM_001257387.3); c.320-81C>T (NM_001438295.1, NM_001438293.1, NM_001438294.1 and 1 more transcripts).
Identifiers: ClinVar variation 679752 (VCV000679752.2), dbSNP rs189426023, ClinGen allele CA322997040.
Genomic context (GRCh38, chr22:28,730,629, plus strand): 5'-AAAGTTAGGCCAGCCACGGTGGCTCATGCCTGTAATCCCAGCACTTTGGGAGGCCGAGGC[G>A]GGTGGATCACCCGAGGGCAGGAGTTCGAGACCAGCCTGGCCAACATGGTGAAACCCCATC-3'